The following is an entry in ClinVar:

ClinVar aggregate classification (germline): Uncertain significance. Review status: criteria provided, multiple submitters, no conflicts (2 of 4 stars). 2 submissions from 2 submitters: Uncertain significance (2). Last evaluated 2025-06-05.

Conditions:
Early-infantile DEE. Also called: Early infantile epileptic encephalopathy; Ohtahara syndrome; Early infantile epileptic encephalopathy with suppression bursts. Identifiers: Orphanet 1934, MedGen C0393706, MONDO:0800491.

Allele frequency attached by ClinVar (database versions not stated): gnomAD exomes below 0.00001 and 0.00001; ExAC 0.00002; gnomAD 0.00004; TOPMed 0.00005; 1000 Genomes Project 30x 0.00016; 1000 Genomes Project 0.00020.
gnomAD v4.1: 11 of 1,602,856 alleles (0.00069%); highest among the groups gnomAD compares: African/African-American, 0.015%; 1 homozygote.

Submissions (2):

Labcorp Genetics (formerly Invitae), Labcorp
Classification: Uncertain significance for Early-infantile DEE. Last evaluated: 2025-06-05. Review status: criteria provided, single submitter. Criteria: Invitae Variant Classification Sherloc (09022015). Collection method: clinical testing. Allele origin: germline.
Comment: This sequence change replaces aspartic acid, which is acidic and polar, with glutamic acid, which is acidic and polar, at codon 675 of the KCNQ2 protein (p.Asp675Glu). This variant is present in population databases (rs553337046, gnomAD 0.009%). This variant has not been reported in the literature in individuals affected with KCNQ2-related conditions. ClinVar contains an entry for this variant (Variation ID: 530521). An algorithm developed to predict the effect of missense changes on protein structure and function outputs the following: PolyPhen-2: "Benign". The glutamic acid amino acid residue is found in multiple mammalian species, which suggests that this missense change does not adversely affect protein function. In summary, the available evidence is currently insufficient to determine the role of this variant in disease. Therefore, it has been classified as a Variant of Uncertain Significance.

CeGaT Center for Human Genetics Tuebingen
Classification: Uncertain significance. Last evaluated: 2020-08-01. Review status: criteria provided, single submitter. Criteria: CeGaT Center For Human Genetics Tuebingen Variant Classification Criteria Version 2. Collection method: clinical testing. Allele origin: germline. Affected: yes. Observed: 2 variant alleles.

NM_172107.4(KCNQ2):c.2025C>G (p.Asp675Glu)

Gene: KCNQ2 (potassium voltage-gated channel subfamily Q member 2; minus strand). Cytogenetic location: 20q13.33.
Variant type: single nucleotide variant.
Coding change: c.2025C>G on transcript NM_172107.4 (MANE Select); coding-DNA position 2025, C replaced by G.
Protein change: p.Asp675Glu; replaces aspartic acid 675 with glutamic acid.
Molecular consequence: missense variant.
Genome position (GRCh38, 1-based): chr20:63,407,238, G>C on the plus strand (C>G on the coding strand, the complement: KCNQ2 is on the minus strand). VCF-style: chr20-63407238-G-C. GRCh37 (hg19) VCF-style: chr20-62038591-G-C.
Other names: c.1941C>G, p.Asp647Glu (NM_004518.6); c.1971C>G, p.Asp657Glu (NM_172106.3); c.1932C>G, p.Asp644Glu (NM_172108.5); short protein forms D675E, D647E, D657E, D644E.
Identifiers: ClinVar variation 530521 (VCV000530521.46), dbSNP rs553337046, ClinGen allele CA9958168.